The following is an entry in ClinVar:

ClinVar aggregate classification (germline): Uncertain significance (1 of 4 stars; one submission).

Conditions:
Dilated cardiomyopathy 1O (CMD1O). Also called: CARDIOMYOPATHY, DILATED, WITH VENTRICULAR TACHYCARDIA. Identifiers: Orphanet 154, MedGen C1837839, MONDO:0012062, OMIM 608569.

Submission:

Labcorp Genetics (formerly Invitae), Labcorp
Classification: Uncertain significance for Dilated cardiomyopathy 1O. Last evaluated: 2025-03-03. Review status: criteria provided, single submitter. Criteria: Invitae Variant Classification Sherloc (09022015). Collection method: clinical testing. Allele origin: germline.
Comment: This sequence change replaces alanine, which is neutral and non-polar, with valine, which is neutral and non-polar, at codon 1145 of the ABCC9 protein (p.Ala1145Val). This variant is not present in population databases (gnomAD no frequency). This variant has not been reported in the literature in individuals affected with ABCC9-related conditions. ClinVar contains an entry for this variant (Variation ID: 2000071). Invitae Evidence Modeling of protein sequence and biophysical properties (such as structural, functional, and spatial information, amino acid conservation, physicochemical variation, residue mobility, and thermodynamic stability) indicates that this missense variant is not expected to disrupt ABCC9 protein function with a negative predictive value of 95%. In summary, the available evidence is currently insufficient to determine the role of this variant in disease. Therefore, it has been classified as a Variant of Uncertain Significance.

NM_020297.4(ABCC9):c.3434C>T (p.Ala1145Val)

Gene: ABCC9 (ATP binding cassette subfamily C member 9; minus strand). Cytogenetic location: 12p12.1.
Variant type: single nucleotide variant.
Coding change: c.3434C>T on transcript NM_020297.4 (MANE Select); coding-DNA position 3434, C replaced by T.
Protein change: p.Ala1145Val; replaces alanine 1145 with valine.
Molecular consequence: missense variant.
Genome position (GRCh38, 1-based): chr12:21,842,353, G>A on the plus strand (C>T on the coding strand, the complement: ABCC9 is on the minus strand). VCF-style: chr12-21842353-G-A. GRCh37 (hg19) VCF-style: chr12-21995287-G-A.
Other names: c.3434C>T, p.Ala1145Val (NM_001377273.1, NM_005691.4); c.2567C>T, p.Ala856Val (NM_001377274.1); short protein forms A856V, A1145V.
Identifiers: ClinVar variation 2000071 (VCV002000071.4), dbSNP rs2541055397, ClinGen allele CA384140820.